The following is an entry in ClinVar:

NM_004086.3(COCH):c.321T>C (p.Asn107=)

Genes: COCH (cochlin; plus strand), COCH-AS1 (COCH antisense RNA 1; minus strand). Cytogenetic location: 14q12.
Variant type: single nucleotide variant.
Coding change: c.321T>C on transcript NM_004086.3 (MANE Select); coding-DNA position 321, T replaced by C.
Protein change: p.Asn107=; no amino-acid change (asparagine 107 retained).
Molecular consequence: synonymous variant.
Genome position (GRCh38, 1-based): chr14:30,878,892, T>C. VCF-style: chr14-30878892-T-C. GRCh37 (hg19) VCF-style: chr14-31348098-T-C.
Other names: p.Asn107=; c.321T>C, p.Asn107= (NM_001135058.2); c.516T>C, p.Asn172= (NM_001347720.2); c.321T>C (NM_001135058.1).
Identifiers: ClinVar variation 2965327 (VCV002965327.6), dbSNP rs779886624, ClinGen allele CA7142998.

ClinVar aggregate classification (germline): Likely benign. Review status: criteria provided, multiple submitters, no conflicts (2 of 4 stars). 3 submissions from 3 submitters: Likely benign (2). 1 of the submissions does not count toward it. Last evaluated 2025-02-06.

Conditions:
COCH-related disorder. Also called: COCH-related condition.

Allele frequency attached by ClinVar (database versions not stated): gnomAD exomes 0.00001; TOPMed 0.00001; ExAC 0.00003.
gnomAD v4.1: 13 of 1,614,214 alleles (0.00081%); highest among the groups gnomAD compares: Admixed American, 0.017%; no homozygotes.

Submissions (3):

Mayo Clinic Laboratories, Mayo Clinic
Classification: Likely benign. Last evaluated: 2025-02-06. Review status: criteria provided, single submitter. Criteria: ACMG Guidelines, 2015. Collection method: clinical testing. Allele origin: germline. Observed: 1 variant allele.
Comment: BS2, BP4, BP7

Labcorp Genetics (formerly Invitae), Labcorp
Classification: Likely benign. Last evaluated: 2024-07-02. Review status: criteria provided, single submitter. Criteria: Invitae Variant Classification Sherloc (09022015). Collection method: clinical testing. Allele origin: germline.

PreventionGenetics, part of Exact Sciences
Classification: Likely benign for COCH-related condition. Last evaluated: 2020-06-23. Review status: no assertion criteria provided. Collection method: clinical testing. Allele origin: germline. Not counted in ClinVar's aggregate classification.
Comment: This variant is classified as likely benign based on ACMG/AMP sequence variant interpretation guidelines (Richards et al. 2015 PMID: 25741868, with internal and published modifications).